The following is an entry in ClinVar:

ClinVar aggregate classification (germline): Uncertain significance (1 of 4 stars; one submission).

Conditions:
Inborn genetic diseases. Identifiers: MedGen C0950123, MeSH D030342.

gnomAD v4.1: 1 of 1,613,824 alleles (0.000062%); highest among the groups gnomAD compares: Non-Finnish European, 0.000085%; no homozygotes.

Submission:

Ambry Genetics
Classification: Uncertain significance for Inborn genetic diseases. Last evaluated: 2025-08-30. Review status: criteria provided, single submitter. Criteria: Ambry Variant Classification Scheme 2023. Collection method: clinical testing. Allele origin: germline.
Comment: The p.S206T variant (also known as c.616T>A), located in coding exon 5 of the HAX1 gene, results from a T to A substitution at nucleotide position 616. The serine at codon 206 is replaced by threonine, an amino acid with similar properties. This amino acid position is conserved. In addition, the in silico prediction for this alteration is inconclusive. Based on the available evidence, the clinical significance of this variant remains unclear.

NM_006118.4(HAX1):c.616T>A (p.Ser206Thr)

Gene: HAX1 (HCLS1 associated protein X-1; plus strand). Cytogenetic location: 1q21.3.
Variant type: single nucleotide variant.
Coding change: c.616T>A on transcript NM_006118.4 (MANE Select); coding-DNA position 616, T replaced by A.
Protein change: p.Ser206Thr; replaces serine 206 with threonine.
Molecular consequence: missense variant.
Genome position (GRCh38, 1-based): chr1:154,275,213, T>A. VCF-style: chr1-154275213-T-A. GRCh37 (hg19) VCF-style: chr1-154247689-T-A.
Other names: c.472T>A, p.Ser158Thr (NM_001018837.2); short protein forms S158T, S206T.
Identifiers: ClinVar variation 4269058 (VCV004269058.1).